The following is an entry in ClinVar:

ClinVar aggregate classification (germline): Uncertain significance (0 of 4 stars; one submission).

Conditions:
WDPCP-related disorder. Also called: WDPCP-related condition.

Submission:

PreventionGenetics, part of Exact Sciences
Classification: Uncertain significance for WDPCP-related condition. Last evaluated: 2024-07-19. Review status: no assertion criteria provided. Collection method: clinical testing. Allele origin: germline.
Comment: The WDPCP c.1673T>G variant is predicted to result in the amino acid substitution p.Leu558Arg. To our knowledge, this variant has not been reported in the literature or in a large population database, indicating this variant is rare. At this time, the clinical significance of this variant is uncertain due to the absence of conclusive functional and genetic evidence.

NM_015910.7(WDPCP):c.1673T>G (p.Leu558Arg)

Gene: WDPCP (WD repeat containing planar cell polarity effector; minus strand). Cytogenetic location: 2p15.
Variant type: single nucleotide variant.
Coding change: c.1673T>G on transcript NM_015910.7 (MANE Select); coding-DNA position 1673, T replaced by G.
Protein change: p.Leu558Arg; replaces leucine 558 with arginine.
Molecular consequence: missense variant. On other transcripts: non-coding transcript variant (3).
Genome position (GRCh38, 1-based): chr2:63,378,461, A>C on the plus strand (T>G on the coding strand, the complement: WDPCP is on the minus strand). VCF-style: chr2-63378461-A-C. GRCh37 (hg19) VCF-style: chr2-63605596-A-C.
Other names: c.1196T>G, p.Leu399Arg (NM_001042692.3); c.1601T>G, p.Leu534Arg (NM_001354044.2); c.1673T>G, p.Leu558Arg (NM_001354045.2); short protein forms L399R, L534R, L558R.
Identifiers: ClinVar variation 3344474 (VCV003344474.1).